The following is an entry in ClinVar:

ClinVar aggregate classification (germline): Uncertain significance (1 of 4 stars; one submission).

Submission:

Labcorp Genetics (formerly Invitae), Labcorp
Classification: Uncertain significance. Last evaluated: 2022-04-20. Review status: criteria provided, single submitter. Criteria: Invitae Variant Classification Sherloc (09022015). Collection method: clinical testing. Allele origin: germline.
Comment: In summary, the available evidence is currently insufficient to determine the role of this variant in disease. Therefore, it has been classified as a Variant of Uncertain Significance. Algorithms developed to predict the effect of missense changes on protein structure and function are either unavailable or do not agree on the potential impact of this missense change (SIFT: "Deleterious"; PolyPhen-2: "Probably Damaging"; Align-GVGD: "Class C0"). This variant has not been reported in the literature in individuals affected with ADAM9-related conditions. This variant is not present in population databases (gnomAD no frequency). This sequence change replaces cysteine, which is neutral and slightly polar, with tyrosine, which is neutral and polar, at codon 673 of the ADAM9 protein (p.Cys673Tyr).

NM_003816.3(ADAM9):c.2018G>A (p.Cys673Tyr)

Gene: ADAM9 (ADAM metallopeptidase domain 9; plus strand). Cytogenetic location: 8p11.22.
Variant type: single nucleotide variant.
Coding change: c.2018G>A on transcript NM_003816.3 (MANE Select); coding-DNA position 2018, G replaced by A.
Protein change: p.Cys673Tyr; replaces cysteine 673 with tyrosine.
Molecular consequence: missense variant. On other transcripts: non-coding transcript variant (1).
Genome position (GRCh38, 1-based): chr8:39,083,023, G>A. VCF-style: chr8-39083023-G-A. GRCh37 (hg19) VCF-style: chr8-38940542-G-A.
Other names: short protein forms C673Y.
Identifiers: ClinVar variation 2128227 (VCV002128227.4), dbSNP rs1487732649, ClinGen allele CA370747863.